The following is an entry in ClinVar:

ClinVar aggregate classification (germline): Uncertain significance (1 of 4 stars; one submission).

Allele frequency attached by ClinVar (database versions not stated): TOPMed below 0.00001; gnomAD 0.00001; gnomAD exomes 0.00001 and 0.00004.
gnomAD v4.1: 46 of 1,313,338 alleles (0.0035%); highest among the groups gnomAD compares: Non-Finnish European, 0.0045%; no homozygotes.

Submission:

Labcorp Genetics (formerly Invitae), Labcorp
Classification: Uncertain significance. Last evaluated: 2024-11-25. Review status: criteria provided, single submitter. Criteria: Invitae Variant Classification Sherloc (09022015). Collection method: clinical testing. Allele origin: germline.
Comment: This sequence change replaces serine, which is neutral and polar, with arginine, which is basic and polar, at codon 1199 of the ERCC6L2 protein (p.Ser1199Arg). This variant is present in population databases (no rsID available, gnomAD 0.002%). This variant has not been reported in the literature in individuals affected with ERCC6L2-related conditions. ClinVar contains an entry for this variant (Variation ID: 1501242). Experimental studies and prediction algorithms are not available or were not evaluated, and the functional significance of this variant is currently unknown. In summary, the available evidence is currently insufficient to determine the role of this variant in disease. Therefore, it has been classified as a Variant of Uncertain Significance.

NM_020207.7(ERCC6L2):c.3562A>C (p.Ser1188Arg)

Gene: ERCC6L2 (ERCC excision repair 6 like 2; plus strand). Cytogenetic location: 9q22.32.
Variant type: single nucleotide variant.
Coding change: c.3562A>C on transcript NM_020207.7 (MANE Select); coding-DNA position 3562, A replaced by C.
Protein change: p.Ser1188Arg; replaces serine 1188 with arginine.
Molecular consequence: missense variant. On other transcripts: non-coding transcript variant (1).
Genome position (GRCh38, 1-based): chr9:96,004,589, A>C. VCF-style: chr9-96004589-A-C. GRCh37 (hg19) VCF-style: chr9-98766871-A-C.
Other names: c.3562A>C, p.Ser1188Arg (NM_001375291.1, NM_001375292.1); short protein forms S1188R.
Identifiers: ClinVar variation 1501242 (VCV001501242.8), dbSNP rs1029932167, ClinGen allele CA196617527.